The following is an entry in ClinVar:

ClinVar aggregate classification (germline): Uncertain significance (1 of 4 stars; one submission).

gnomAD v4.1: 1 of 1,613,864 alleles (0.000062%); highest among the groups gnomAD compares: Non-Finnish European, 0.000085%; no homozygotes.

Submission:

GeneDx
Classification: Uncertain significance. Last evaluated: 2023-07-12. Review status: criteria provided, single submitter. Criteria: GeneDx Variant Classification Process June 2021. Collection method: clinical testing. Allele origin: germline. Affected: yes.
Comment: Not observed at significant frequency in large population cohorts (gnomAD); In silico analysis supports that this missense variant does not alter protein structure/function; Has not been previously published as pathogenic or benign to our knowledge; Variants in candidate genes are classified as variants of uncertain significance in accordance with ACMG guidelines (Richards et al., 2015)

NM_024721.5(ZFHX4):c.2764G>A (p.Val922Met)

Gene: ZFHX4 (zinc finger homeobox 4; plus strand). Cytogenetic location: 8q21.13.
Variant type: single nucleotide variant.
Coding change: c.2764G>A on transcript NM_024721.5 (MANE Select); coding-DNA position 2764, G replaced by A.
Protein change: p.Val922Met; replaces valine 922 with methionine.
Molecular consequence: missense variant.
Genome position (GRCh38, 1-based): chr8:76,707,719, G>A. VCF-style: chr8-76707719-G-A. GRCh37 (hg19) VCF-style: chr8-77619954-G-A.
Other names: c.2686G>A, p.Val896Met (NM_001410934.1); short protein forms V896M, V922M.
Identifiers: ClinVar variation 3900300 (VCV003900300.1).